The following is an entry in ClinVar:

NM_000488.4(SERPINC1):c.1307C>T (p.Ala436Val)

Gene: SERPINC1 (serpin family C member 1; minus strand). Cytogenetic location: 1q25.1.
Variant type: single nucleotide variant.
Coding change: c.1307C>T on transcript NM_000488.4 (MANE Select); coding-DNA position 1307, C replaced by T.
Protein change: p.Ala436Val; replaces alanine 436 with valine.
Molecular consequence: missense variant.
Genome position (GRCh38, 1-based): chr1:173,903,977, G>A on the plus strand (C>T on the coding strand, the complement: SERPINC1 is on the minus strand). VCF-style: chr1-173903977-G-A. GRCh37 (hg19) VCF-style: chr1-173873115-G-A.
Other names: p.Ala436Val; c.1163C>T, p.Ala388Val (NM_001365052.2); c.1430C>T, p.Ala477Val (NM_001386302.1); c.1388C>T, p.Ala463Val (NM_001386303.1); c.1286C>T, p.Ala429Val (NM_001386304.1); c.1250C>T, p.Ala417Val (NM_001386305.1); c.1091C>T, p.Ala364Val (NM_001386306.1); short protein forms A388V, A364V, A429V, A436V, A417V, A463V, A477V.
Identifiers: ClinVar variation 4541903 (VCV004541903.1).

ClinVar aggregate classification (germline): Uncertain significance (1 of 4 stars; one submission).

Submission:

Mayo Clinic Laboratories, Mayo Clinic
Classification: Uncertain significance. Last evaluated: 2025-03-17. Review status: criteria provided, single submitter. Criteria: ACMG Guidelines, 2015. Collection method: clinical testing. Allele origin: germline. Observed: 1 variant allele.
Comment: PP3, PM2_supporting, PM5, PS3_supporting